The following is an entry in ClinVar:

ClinVar aggregate classification (germline): Uncertain significance. Review status: criteria provided, multiple submitters, no conflicts (2 of 4 stars). 2 submissions from 2 submitters: Uncertain significance (2). Last evaluated 2025-12-15.

Conditions:
Inborn genetic diseases. Identifiers: MedGen C0950123, MeSH D030342.
Vici syndrome (VICIS). Identifiers: Orphanet 1493, MedGen C1855772, MONDO:0009452, OMIM 242840.

Allele frequency attached by ClinVar (database versions not stated): TOPMed 0.00001.

Submissions (2):

Ambry Genetics
Classification: Uncertain significance for Inborn genetic diseases. Last evaluated: 2025-12-15. Review status: criteria provided, single submitter. Criteria: Ambry Variant Classification Scheme 2023. Collection method: clinical testing. Allele origin: germline.

Labcorp Genetics (formerly Invitae), Labcorp
Classification: Uncertain significance for Vici syndrome. Last evaluated: 2022-08-23. Review status: criteria provided, single submitter. Criteria: Invitae Variant Classification Sherloc (09022015). Collection method: clinical testing. Allele origin: germline.
Comment: In summary, the available evidence is currently insufficient to determine the role of this variant in disease. Therefore, it has been classified as a Variant of Uncertain Significance. Algorithms developed to predict the effect of missense changes on protein structure and function (SIFT, PolyPhen-2, Align-GVGD) all suggest that this variant is likely to be tolerated. ClinVar contains an entry for this variant (Variation ID: 933514). This variant has not been reported in the literature in individuals affected with EPG5-related conditions. This variant is not present in population databases (gnomAD no frequency). This sequence change replaces leucine, which is neutral and non-polar, with phenylalanine, which is neutral and non-polar, at codon 810 of the EPG5 protein (p.Leu810Phe).

NM_020964.3(EPG5):c.2430G>T (p.Leu810Phe)

Gene: EPG5 (ectopic P-granules 5 autophagy tethering factor; minus strand). Cytogenetic location: 18q21.1.
Variant type: single nucleotide variant.
Coding change: c.2430G>T on transcript NM_020964.3 (MANE Select); coding-DNA position 2430, G replaced by T.
Protein change: p.Leu810Phe; replaces leucine 810 with phenylalanine.
Molecular consequence: missense variant.
Genome position (GRCh38, 1-based): chr18:45,928,992, C>A on the plus strand (G>T on the coding strand, the complement: EPG5 is on the minus strand). VCF-style: chr18-45928992-C-A. GRCh37 (hg19) VCF-style: chr18-43508958-C-A.
Other names: short protein forms L810F.
Identifiers: ClinVar variation 933514 (VCV000933514.11), dbSNP rs1192483869, ClinGen allele CA402346778.
Genomic context (GRCh38, chr18:45,928,992, plus strand): 5'-AACAGCTGTGATAGTCCCTAAAAGCTCTCGACCAACCTTTGAAAAAGTCTCTCTGGTAGA[C>A]AAGGTGACATAAGATACCTAAATGGGGGGAAGGGGGAAGAAGATGGCACTTTTAATATCA-3'
Protein context (NP_066015.2, residues 800-820): LEIYEVSYVT[Leu810Phe]STRETFSKVG